The following is an entry in ClinVar:

ClinVar aggregate classification (germline): Conflicting classifications of pathogenicity. Review status: criteria provided, conflicting classifications (1 of 4 stars). 9 submissions from 9 submitters: Uncertain significance (5); Likely benign (4). Last evaluated 2026-08-19.

Conditions:
ADGRV1-related disorder. Also called: ADGRV1-related condition; ADGRV1-related disorders.
Usher syndrome type 2C. Also called: Usher syndrome, type 2B; USHER SYNDROME, TYPE IIC. Identifiers: Orphanet 231178, Orphanet 886, MedGen C2931213, MONDO:0011558, OMIM 605472.
Febrile seizures, familial, 4 (FEB4). Also called: CONVULSIONS, FAMILIAL FEBRILE, 4. Identifiers: MedGen C1858493, MONDO:0011443, OMIM 604352.

Allele frequency attached by ClinVar (database versions not stated): ExAC 0.00036; 1000 Genomes Project 0.00040; gnomAD exomes 0.00040 and 0.00110; ESP Exome Variant Server 0.00041; 1000 Genomes Project 30x 0.00047; TOPMed 0.00051; gnomAD 0.00052 and 0.00053.
gnomAD v4.1: 1,682 of 1,613,980 alleles (0.1%); highest among the groups gnomAD compares: Non-Finnish European, 0.13%; no homozygotes.

Submissions (9):

PreventionGenetics, part of Exact Sciences
Classification: Uncertain significance for ADGRV1-related condition. Last evaluated: 2026-08-19. Review status: criteria provided, single submitter. Criteria: ACMG Guidelines, 2015. Collection method: clinical testing. Allele origin: germline.
Comment: The ADGRV1 c.16312A>G variant is predicted to result in the amino acid substitution p.Thr5438Ala. This variant was reported in an individual with uveitis (Table S2, Li et al. 2020. PubMed ID: 32707200) and in a patient with Usher syndrome (Table S3, Le Quesne Stabej et al. 2011. PubMed ID: 22135276). This variant is reported in 0.079% of alleles in individuals of European (Non-Finnish) descent in gnomAD, which may be too frequent to be a primary cause of disease. Although we suspect that this variant may be benign, at this time, the clinical significance of this variant is uncertain due to the absence of conclusive functional and genetic evidence.

Labcorp Genetics (formerly Invitae), Labcorp
Classification: Likely benign. Last evaluated: 2026-02-01. Review status: criteria provided, single submitter. Criteria: Invitae Variant Classification Sherloc (09022015). Collection method: clinical testing. Allele origin: germline.

Blueprint Genetics
Classification: Likely benign. Last evaluated: 2024-10-18. Review status: criteria provided, single submitter. Criteria: ACMG Guidelines, 2015. Collection method: clinical testing. Allele origin: germline.

Genomic Medicine Center of Excellence, King Faisal Specialist Hospital and Research Centre
Classification: Uncertain significance for Febrile seizures, familial, 4. Last evaluated: 2024-03-25. Review status: criteria provided, single submitter. Criteria: ACMG Guidelines, 2015. Collection method: research. Allele origin: germline.

Athena Diagnostics
Classification: Uncertain significance. Last evaluated: 2021-02-18. Review status: criteria provided, single submitter. Criteria: Athena Diagnostics Criteria. Collection method: clinical testing. Allele origin: unknown.

GeneDx
Classification: Likely benign. Last evaluated: 2019-12-27. Review status: criteria provided, single submitter. Criteria: GeneDx Variant Classification Process June 2021. Collection method: clinical testing. Allele origin: germline. Affected: yes.
Comment: This variant is associated with the following publications: (PMID: 22135276, 32707200)

Illumina Laboratory Services, Illumina
Classification: Uncertain significance for Usher syndrome type 2C. Last evaluated: 2018-01-13. Review status: criteria provided, single submitter. Criteria: ICSL Variant Classification Criteria 13 December 2019. Collection method: clinical testing. Allele origin: germline.

Eurofins Ntd Llc (ga)
Classification: Uncertain significance. Last evaluated: 2016-06-22. Review status: criteria provided, single submitter. Criteria: EGL Classification Definitions 2015. Collection method: clinical testing. Allele origin: germline. Observed: 2 variant alleles, 2 heterozygotes.

Laboratory for Molecular Medicine, Mass General Brigham Personalized Medicine
Classification: Likely benign. Last evaluated: 2013-12-12. Review status: criteria provided, single submitter. Criteria: LMM Criteria. Collection method: clinical testing. Allele origin: germline. Observed: 1 variant allele.
Comment: Thr5438Ala in Exon 76 of GPR98: This variant is not expected to have clinical si gnificance because it is poorly conserved across species, with two primates (mar moset and squirrel monkey) having an Ala at this position, and computational too ls (amino acid conservation, AlignGVGD, PolyPhen2, and SIFT) do not suggest an i mpact to the protein. In addition, it has been previously reported in one study as a "neutral" variant due to its presence in 4/878 (0.48%) control chromosomes (Le Quesne Stabej 2012), and was also identified in 0.1% (5/8240) of European A merican chromosomes by the NHLBI Exome Sequencing Project (dbSNP rs201890097).

Literature cited by the submitters: PubMed 22135276 (cited by Athena Diagnostics); PubMed 32707200 (cited by Athena Diagnostics).

NM_032119.4(ADGRV1):c.16312A>G (p.Thr5438Ala)

Gene: ADGRV1 (adhesion G protein-coupled receptor V1; plus strand). Cytogenetic location: 5q14.3.
Variant type: single nucleotide variant.
Coding change: c.16312A>G on transcript NM_032119.4 (MANE Select); coding-DNA position 16312, A replaced by G.
Protein change: p.Thr5438Ala; replaces threonine 5438 with alanine.
Molecular consequence: missense variant. On other transcripts: non-coding transcript variant (1).
Genome position (GRCh38, 1-based): chr5:90,823,540, A>G. VCF-style: chr5-90823540-A-G. GRCh37 (hg19) VCF-style: chr5-90119357-A-G.
Other names: short protein forms T5438A.
Identifiers: ClinVar variation 178372 (VCV000178372.29), dbSNP rs201890097, ClinGen allele CA182202.
Genomic context (GRCh38, chr5:90,823,540, plus strand): 5'-GTGCTCCAGAAGGATGGGGTAAACCTGGTGGAGGAACTTCAGTCTGTGTCAGGGACCACA[A>G]CCTGTACAATGGGTCAAACAAAATGCTTTATCAGCATTGAACTCAAACCAGAAAAGGTAA-3'
Protein context (NP_115495.3, residues 5428-5448): EELQSVSGTT[Thr5438Ala]CTMGQTKCFI